The following is an entry in ClinVar:

NM_152305.3(POGLUT1):c.1142A>G (p.Asp381Gly)

Gene: POGLUT1 (protein O-glucosyltransferase 1; plus strand). Cytogenetic location: 3q13.33.
Variant type: single nucleotide variant.
Coding change: c.1142A>G on transcript NM_152305.3 (MANE Select); coding-DNA position 1142, A replaced by G.
Protein change: p.Asp381Gly; replaces aspartic acid 381 with glycine.
Molecular consequence: missense variant. On other transcripts: non-coding transcript variant (1).
Genome position (GRCh38, 1-based): chr3:119,492,401, A>G. VCF-style: chr3-119492401-A-G. GRCh37 (hg19) VCF-style: chr3-119211248-A-G.
Other names: c.1142A>G, p.Asp381Gly (NM_020231.3); c.1142A>G (NM_152305.2); short protein forms D381G.
Identifiers: ClinVar variation 2912817 (VCV002912817.4), dbSNP rs377392047, ClinGen allele CA2555059.

ClinVar aggregate classification (germline): Uncertain significance. Review status: criteria provided, multiple submitters, no conflicts (2 of 4 stars). 2 submissions from 2 submitters: Uncertain significance (2). Last evaluated 2025-02-19.

Conditions:
Inborn genetic diseases. Identifiers: MedGen C0950123, MeSH D030342.

Allele frequency attached by ClinVar (database versions not stated): ExAC 0.00005; gnomAD exomes 0.00002; TOPMed 0.00002; gnomAD 0.00005; ESP Exome Variant Server 0.00015.
gnomAD v4.1: 30 of 1,605,902 alleles (0.0019%); highest among the groups gnomAD compares: Non-Finnish European, 0.0024%; no homozygotes.

Submissions (2):

Labcorp Genetics (formerly Invitae), Labcorp
Classification: Uncertain significance. Last evaluated: 2025-02-19. Review status: criteria provided, single submitter. Criteria: Invitae Variant Classification Sherloc (09022015). Collection method: clinical testing. Allele origin: germline.
Comment: This sequence change replaces aspartic acid, which is acidic and polar, with glycine, which is neutral and non-polar, at codon 381 of the POGLUT1 protein (p.Asp381Gly). This variant is present in population databases (rs377392047, gnomAD 0.006%). This variant has not been reported in the literature in individuals affected with POGLUT1-related conditions. ClinVar contains an entry for this variant (Variation ID: 2912817). An algorithm developed to predict the effect of missense changes on protein structure and function outputs the following: PolyPhen-2: "Benign". The glycine amino acid residue is found in multiple mammalian species, which suggests that this missense change does not adversely affect protein function. In summary, the available evidence is currently insufficient to determine the role of this variant in disease. Therefore, it has been classified as a Variant of Uncertain Significance.

Ambry Genetics
Classification: Uncertain significance for Inborn genetic diseases. Last evaluated: 2024-05-26. Review status: criteria provided, single submitter. Criteria: Ambry Variant Classification Scheme 2023. Collection method: clinical testing. Allele origin: germline.